The following is an entry in ClinVar:

ClinVar aggregate classification (germline): Uncertain significance (1 of 4 stars; one submission).

Conditions:
Renal coloboma syndrome (PAPRS). Also called: PAPILLORENAL SYNDROME; OPTIC COLOBOMA, VESICOURETERAL REFLUX, AND RENAL ANOMALIES; OPTIC NERVE COLOBOMA WITH RENAL DISEASE; RENAL-COLOBOMA SYNDROME WITH MACULAR ABNORMALITIES; PAPILLORENAL SYNDROME WITH MILD OCULAR ABNORMALITIES; CONGENITAL ANOMALIES OF THE KIDNEY AND URINARY TRACT WITH OR WITHOUT OCULAR ABNORMALITIES. Identifiers: Orphanet 1475, MedGen C1852759, MONDO:0007352, OMIM 120330.
Focal segmental glomerulosclerosis 7 (FSGS7). Identifiers: Orphanet 656, MedGen C4014925, MONDO:0014451, OMIM 616002.

Allele frequency attached by ClinVar (database versions not stated): TOPMed below 0.00001.
gnomAD v4.1: 4 of 1,610,422 alleles (0.00025%); highest among the groups gnomAD compares: Admixed American, 0.0017%; no homozygotes.

Submission:

Labcorp Genetics (formerly Invitae), Labcorp
Classification: Uncertain significance for Renal coloboma syndrome; Focal segmental glomerulosclerosis 7. Last evaluated: 2023-10-03. Review status: criteria provided, single submitter. Criteria: Invitae Variant Classification Sherloc (09022015). Collection method: clinical testing. Allele origin: germline.
Comment: This sequence change replaces proline, which is neutral and non-polar, with serine, which is neutral and polar, at codon 323 of the PAX2 protein (p.Pro323Ser). This variant is present in population databases (no rsID available, gnomAD 0.003%). This variant has not been reported in the literature in individuals affected with PAX2-related conditions. ClinVar contains an entry for this variant (Variation ID: 1940442). Experimental studies and prediction algorithms are not available or were not evaluated, and the functional significance of this variant is currently unknown. In summary, the available evidence is currently insufficient to determine the role of this variant in disease. Therefore, it has been classified as a Variant of Uncertain Significance.

NM_000278.5(PAX2):c.967C>T (p.Pro323Ser)

Gene: PAX2 (paired box 2; plus strand). Cytogenetic location: 10q24.31.
Variant type: single nucleotide variant.
Coding change: c.967C>T on transcript NM_000278.5 (MANE Select); coding-DNA position 967, C replaced by T.
Protein change: p.Pro323Ser; replaces proline 323 with serine.
Molecular consequence: missense variant.
Genome position (GRCh38, 1-based): chr10:100,824,695, C>T. VCF-style: chr10-100824695-C-T. GRCh37 (hg19) VCF-style: chr10-102584452-C-T.
Other names: c.1060C>T, p.Pro354Ser (NM_001304569.2); c.1036C>T, p.Pro346Ser (NM_003987.5, NM_003990.5); c.967C>T, p.Pro323Ser (NM_003988.5, NM_003989.5); short protein forms P323S, P346S, P354S.
Identifiers: ClinVar variation 1940442 (VCV001940442.5), dbSNP rs1289052313, ClinGen allele CA378259607.